The following is an entry in ClinVar:

NM_000216.4(ANOS1):c.1499_1500del (p.Val500fs)

Gene: ANOS1 (anosmin 1; minus strand). Cytogenetic location: Xp22.31.
Variant type: Deletion.
Coding change: c.1499_1500del on transcript NM_000216.4 (MANE Select); coding-DNA positions 1499 to 1500, 2 bases deleted (TG; older notation c.1499_1500delTG).
Protein change: p.Val500fs; shifts the reading frame from valine 500.
Molecular consequence: frameshift variant.
Genome position (GRCh38, 1-based): chrX:8,536,892-8,536,893, CA deleted on the plus strand (TG on the coding strand, the reverse complement: ANOS1 is on the minus strand); deleting any 2 consecutive bases within chrX:8,536,892-8,536,894 gives the same sequence; the c. name uses the placement nearest the transcript's 3' end. VCF-style (leftmost placement, unchanged base first): chrX-8536891-TCA-T. GRCh37 (hg19) VCF-style: chrX-8504932-TCA-T.
Other names: short protein forms V500fs.
Identifiers: ClinVar variation 2013574 (VCV002013574.4), dbSNP rs2518468186, ClinGen allele CA2580102013.

ClinVar aggregate classification (germline): Pathogenic (1 of 4 stars; one submission).

Conditions:
Hypogonadotropic hypogonadism 1 with or without anosmia (HH1). Also called: Kallmann syndrome, type 1, X-linked; DYSPLASIA OLFACTOGENITALIS OF DE MORSIER; HYPOGONADOTROPIC HYPOGONADISM 1 WITH ANOSMIA; HYPOGONADOTROPIC HYPOGONADISM AND ANOSMIA; KAL1-Related GnRH Deficiency (Kallmann Syndrome 1; Kallmann Syndrome, X-Linked); Hypogonadotropic hypogonadism 1 with or without anosmia (Kallmann syndrome 1). Identifiers: Orphanet 478, MedGen C1563719, MONDO:0010635, OMIM 308700. Disease mechanism: loss of function.

Submission:

Labcorp Genetics (formerly Invitae), Labcorp
Classification: Pathogenic for Hypogonadotropic hypogonadism 1 with or without anosmia. Last evaluated: 2022-07-03. Review status: criteria provided, single submitter. Criteria: Invitae Variant Classification Sherloc (09022015). Collection method: clinical testing. Allele origin: germline.
Comment: This sequence change creates a premature translational stop signal (p.Val500Aspfs*27) in the ANOS1 gene. It is expected to result in an absent or disrupted protein product. Loss-of-function variants in ANOS1 are known to be pathogenic (PMID: 8504298, 11297579). For these reasons, this variant has been classified as Pathogenic. This variant has not been reported in the literature in individuals affected with ANOS1-related conditions. This variant is not present in population databases (gnomAD no frequency).

Literature cited by the submitters: PubMed 8504298; PubMed 11297579.